The following is an entry in ClinVar:

NM_182914.3(SYNE2):c.2013G>A (p.Leu671=)

Gene: SYNE2 (spectrin repeat containing nuclear envelope protein 2; plus strand). Cytogenetic location: 14q23.2.
Variant type: single nucleotide variant.
Coding change: c.2013G>A on transcript NM_182914.3 (MANE Select); coding-DNA position 2013, G replaced by A.
Protein change: p.Leu671=; no amino-acid change (leucine 671 retained).
Molecular consequence: synonymous variant.
Genome position (GRCh38, 1-based): chr14:63,983,748, G>A. VCF-style: chr14-63983748-G-A. GRCh37 (hg19) VCF-style: chr14-64450466-G-A.
Other names: c.2013G>A, p.Leu671= (NM_015180.6).
Identifiers: ClinVar variation 283411 (VCV000283411.18), dbSNP rs371320284, ClinGen allele CA7219586.
Genomic context (GRCh38, chr14:63,983,748, plus strand): 5'-CATAAAATAAAAATATGAGTATTACATTTCATGAAATTATTTTGTATAGGAAATGAACCT[G>A]CCACTGATGATAAAAAAACAGGATCAGCCCACTTTTGACAATTCTGGAAATATTCTATCT-3'
Protein context (NP_878918.2, residues 661-681): LVSKTQLEMN[Leu671=]PLMIKKQDQP

ClinVar aggregate classification (germline): Benign/Likely benign. Review status: criteria provided, multiple submitters, no conflicts (2 of 4 stars). 5 submissions from 5 submitters: Benign (3); Likely benign (2). Last evaluated 2026-05-22.

Conditions:
SYNE2-related disorder. Also called: SYNE2-related condition.
Emery-Dreifuss muscular dystrophy 5, autosomal dominant (EDMD5). Also called: EMERY-DREIFUSS MUSCULAR DYSTROPHY 5. Identifiers: Orphanet 261, MedGen C2751805, MONDO:0013072, OMIM 612999.

Allele frequency attached by ClinVar (database versions not stated): ESP Exome Variant Server 0.00009; gnomAD 0.00014 and 0.00023; TOPMed 0.00019; gnomAD exomes 0.00034 and 0.00045; ExAC 0.00054; 1000 Genomes Project 30x 0.00094; 1000 Genomes Project 0.00100.
gnomAD v4.1: 544 of 1,612,314 alleles (0.034%); highest among the groups gnomAD compares: South Asian, 0.16%; no homozygotes.

Submissions (5):

PreventionGenetics, part of Exact Sciences
Classification: Likely benign for SYNE2-related condition. Last evaluated: 2026-05-22. Review status: criteria provided, single submitter. Criteria: ACMG Guidelines, 2015. Collection method: clinical testing. Allele origin: germline.
Comment: This variant is classified as likely benign based on ACMG/AMP sequence variant interpretation guidelines (Richards et al. 2015 PMID: 25741868, with internal and published modifications).

Labcorp Genetics (formerly Invitae), Labcorp
Classification: Benign for Emery-Dreifuss muscular dystrophy 5, autosomal dominant. Last evaluated: 2026-02-01. Review status: criteria provided, single submitter. Criteria: Invitae Variant Classification Sherloc (09022015). Collection method: clinical testing. Allele origin: germline.

Blueprint Genetics
Classification: Likely benign. Last evaluated: 2024-10-01. Review status: criteria provided, single submitter. Criteria: ACMG Guidelines, 2015. Collection method: clinical testing. Allele origin: germline.

Illumina Laboratory Services, Illumina
Classification: Benign for Emery-Dreifuss muscular dystrophy 5, autosomal dominant. Last evaluated: 2018-01-13. Review status: criteria provided, single submitter. Criteria: ICSL Variant Classification Criteria 13 December 2019. Collection method: clinical testing. Allele origin: germline.
Comment: This variant was observed in the ICSL laboratory as part of a predisposition screen in an ostensibly healthy population. It had not been previously curated by ICSL or reported in the Human Gene Mutation Database (HGMD: prior to June 1st, 2018), and was therefore a candidate for classification through an automated scoring system. Utilizing variant allele frequency, disease prevalence and penetrance estimates, and inheritance mode, an automated score was calculated to assess if this variant is too frequent to cause the disease. Based on the score and internal cut-off values, a variant classified as benign is not then subjected to further curation. The score for this variant resulted in a classification of benign for this disease.

Eurofins Ntd Llc (ga)
Classification: Benign. Last evaluated: 2015-10-06. Review status: criteria provided, single submitter. Criteria: EGL Classification Definitions 2015. Collection method: clinical testing. Allele origin: germline. Observed: 1 variant allele, 1 heterozygote.